The following is an entry in ClinVar:

NM_006739.4(MCM5):c.1133T>A (p.Leu378Gln)

Gene: MCM5 (minichromosome maintenance complex component 5; plus strand). Cytogenetic location: 22q12.3.
Variant type: single nucleotide variant.
Coding change: c.1133T>A on transcript NM_006739.4 (MANE Select); coding-DNA position 1133, T replaced by A.
Protein change: p.Leu378Gln; replaces leucine 378 with glutamine.
Molecular consequence: missense variant.
Genome position (GRCh38, 1-based): chr22:35,413,916, T>A. VCF-style: chr22-35413916-T-A. GRCh37 (hg19) VCF-style: chr22-35809909-T-A.
Other names: short protein forms L378Q.
Identifiers: ClinVar variation 2695550 (VCV002695550.3), dbSNP rs1181549978, ClinGen allele CA411345100.

ClinVar aggregate classification (germline): Uncertain significance (1 of 4 stars; one submission).

Allele frequency attached by ClinVar (database versions not stated): gnomAD exomes below 0.00001; TOPMed 0.00002; gnomAD 0.00001.
gnomAD v4.1: 3 of 1,613,988 alleles (0.00019%); highest among the groups gnomAD compares: Admixed American, 0.005%; no homozygotes.

Submission:

Labcorp Genetics (formerly Invitae), Labcorp
Classification: Uncertain significance. Last evaluated: 2025-09-02. Review status: criteria provided, single submitter. Criteria: Invitae Variant Classification Sherloc (09022015). Collection method: clinical testing. Allele origin: germline.
Comment: This sequence change replaces leucine, which is neutral and non-polar, with glutamine, which is neutral and polar, at codon 378 of the MCM5 protein (p.Leu378Gln). This variant is present in population databases (no rsID available, gnomAD 0.003%). This variant has not been reported in the literature in individuals affected with MCM5-related conditions. ClinVar contains an entry for this variant (Variation ID: 2695550). Invitae Evidence Modeling of protein sequence and biophysical properties (such as structural, functional, and spatial information, amino acid conservation, physicochemical variation, residue mobility, and thermodynamic stability) indicates that this missense variant is expected to disrupt MCM5 protein function with a positive predictive value of 80%. In summary, the available evidence is currently insufficient to determine the role of this variant in disease. Therefore, it has been classified as a Variant of Uncertain Significance.